The following is an entry in ClinVar:

ClinVar aggregate classification (germline): Uncertain significance (1 of 4 stars; one submission).

gnomAD v4.1: 8 of 1,592,224 alleles (0.0005%); highest among the groups gnomAD compares: Non-Finnish European, 0.0006%; no homozygotes.

Submission:

Labcorp Genetics (formerly Invitae), Labcorp
Classification: Uncertain significance. Last evaluated: 2024-07-14. Review status: criteria provided, single submitter. Criteria: Invitae Variant Classification Sherloc (09022015). Collection method: clinical testing. Allele origin: germline.
Comment: This sequence change replaces threonine, which is neutral and polar, with arginine, which is basic and polar, at codon 582 of the KANK2 protein (p.Thr582Arg). This variant is present in population databases (rs754387207, gnomAD 0.005%). This variant has not been reported in the literature in individuals affected with KANK2-related conditions. An algorithm developed to predict the effect of missense changes on protein structure and function (PolyPhen-2) suggests that this variant is likely to be tolerated. In summary, the available evidence is currently insufficient to determine the role of this variant in disease. Therefore, it has been classified as a Variant of Uncertain Significance.

NM_001136191.3(KANK2):c.1745C>G (p.Thr582Arg)

Gene: KANK2 (KN motif and ankyrin repeat domains 2; minus strand). Cytogenetic location: 19p13.2.
Variant type: single nucleotide variant.
Coding change: c.1745C>G on transcript NM_001136191.3 (MANE Select); coding-DNA position 1745, C replaced by G.
Protein change: p.Thr582Arg; replaces threonine 582 with arginine.
Molecular consequence: missense variant.
Genome position (GRCh38, 1-based): chr19:11,176,593, G>C on the plus strand (C>G on the coding strand, the complement: KANK2 is on the minus strand). VCF-style: chr19-11176593-G-C. GRCh37 (hg19) VCF-style: chr19-11287269-G-C.
Other names: c.1745C>G, p.Thr582Arg (NM_001329451.2, NM_001379562.1, NM_001379563.1 and 7 more transcripts); c.1769C>G, p.Thr590Arg (NM_001379548.1, NM_001379549.1, NM_001379550.1 and 5 more transcripts); short protein forms T582R, T590R.
Identifiers: ClinVar variation 3617431 (VCV003617431.2).
Genomic context (GRCh38, chr19:11,176,593, plus strand): 5'-TCCACCCCCGGCCCTGCCTGAATCCCTCCTACCCAGAAAACTGACCTGATCTCCTCCTCC[G>C]TGTTTGATCCTGATGCCCCCTCAGCAGTGGGTATGTGCTGAGATTCTCGAGACAGCTGAC-3'
Protein context (NP_001129663.1, residues 572-592): PTAEGASGSN[Thr582Arg]EEEIRMELSP